The following is an entry in ClinVar:

NM_001371596.2(MFSD8):c.439+16T>A

Gene: MFSD8 (major facilitator superfamily domain containing 8; minus strand). Cytogenetic location: 4q28.2.
Variant type: single nucleotide variant.
Coding change: c.439+16T>A on transcript NM_001371596.2 (MANE Select); 16 bases into the intron after coding-DNA position 439, T replaced by A.
Molecular consequence: intron variant.
Genome position (GRCh38, 1-based): chr4:127,943,736, A>T on the plus strand (T>A on the coding strand, the complement: MFSD8 is on the minus strand). VCF-style: chr4-127943736-A-T. GRCh37 (hg19) VCF-style: chr4-128864891-A-T.
Other names: c.304+16T>A (NM_001371595.1, NM_001410765.1, NM_001371590.2); c.439+16T>A (NM_152778.4, NM_001363521.3, NM_001410766.1 and 5 more transcripts).
Identifiers: ClinVar variation 509974 (VCV000509974.10), dbSNP rs1320386320, ClinGen allele CA554739778.

ClinVar aggregate classification (germline): Likely benign. Review status: criteria provided, multiple submitters, no conflicts (2 of 4 stars). 2 submissions from 2 submitters: Likely benign (2). Last evaluated 2025-03-01.

Conditions:
Neuronal ceroid lipofuscinosis 7 (CLN7). Also called: MFSD8-Related Neuronal Ceroid-Lipofuscinosis. Identifiers: Orphanet 168491, Orphanet 228366, MedGen C1838571, MONDO:0012588, OMIM 610951.

Allele frequency attached by ClinVar (database versions not stated): gnomAD 0.00002; gnomAD exomes 0.00002; TOPMed 0.00002.
gnomAD v4.1: 7 of 1,613,944 alleles (0.00043%); highest among the groups gnomAD compares: Admixed American, 0.012%; no homozygotes.

Submissions (2):

Labcorp Genetics (formerly Invitae), Labcorp
Classification: Likely benign for Neuronal ceroid lipofuscinosis 7. Last evaluated: 2025-03-01. Review status: criteria provided, single submitter. Criteria: Invitae Variant Classification Sherloc (09022015). Collection method: clinical testing. Allele origin: germline.

GeneDx
Classification: Likely benign. Last evaluated: 2017-06-06. Review status: criteria provided, single submitter. Criteria: GeneDx Variant Classification (06012015). Collection method: clinical testing. Allele origin: germline. Affected: yes.
Comment: This variant is considered likely benign or benign based on one or more of the following criteria: it is a conservative change, it occurs at a poorly conserved position in the protein, it is predicted to be benign by multiple in silico algorithms, and/or has population frequency not consistent with disease.